The following is an entry in ClinVar:

NM_004586.3(RPS6KA3):c.80A>G (p.Gln27Arg)

Gene: RPS6KA3 (ribosomal protein S6 kinase A3; minus strand). Cytogenetic location: Xp22.12.
Variant type: single nucleotide variant.
Coding change: c.80A>G on transcript NM_004586.3 (MANE Select); coding-DNA position 80, A replaced by G.
Protein change: p.Gln27Arg; replaces glutamine 27 with arginine.
Molecular consequence: missense variant. On other transcripts: 5 prime UTR variant (1).
Genome position (GRCh38, 1-based): chrX:20,234,804, T>C on the plus strand (A>G on the coding strand, the complement: RPS6KA3 is on the minus strand). VCF-style: chrX-20234804-T-C. GRCh37 (hg19) VCF-style: chrX-20252922-T-C.
Other names: c.-5A>G (NM_001438340.1); short protein forms Q27R.
Identifiers: ClinVar variation 4988543 (VCV004988543.1).
Genomic context (GRCh38, chrX:20,234,804, plus strand): 5'-AATATTTTACTTACAGTTTGTGGGTTAATCTCCTCCTCTCCCATAGGTTCATCCATAATT[T>C]GCTGTCCATTCTGTGAAAAGCACAGCAAGCAGGAAGTTACCAAAACAGACCTCACATCAG-3'
Protein context (NP_004577.1, residues 17-37): SPSDSAENGQ[Gln27Arg]IMDEPMGEEE

ClinVar aggregate classification (germline): Uncertain significance (1 of 4 stars; one submission).

Conditions:
RPS6KA3-related disorder. Also called: RPS6KA3-related condition.

Submission:

PreventionGenetics, part of Exact Sciences
Classification: Uncertain significance for RPS6KA3-related condition. Last evaluated: 2026-03-06. Review status: criteria provided, single submitter. Criteria: ACMG Guidelines, 2015. Collection method: clinical testing. Allele origin: germline.
Comment: The RPS6KA3 c.80A>G variant is predicted to result in the amino acid substitution p.Gln27Arg. To our knowledge, this variant has not been reported in the literature or in a large population database (gnomAD), indicating this variant is rare. At this time, the clinical significance of this variant is uncertain due to the absence of conclusive functional and genetic evidence.